The following is an entry in ClinVar:

ClinVar aggregate classification (germline): Pathogenic/Likely pathogenic. Review status: criteria provided, multiple submitters, no conflicts (2 of 4 stars). 2 submissions from 2 submitters: Pathogenic (1); Likely pathogenic (1). Last evaluated 2021-01-11.
ClinVar aggregate classification (oncogenicity): Oncogenic (1 of 4 stars; one submission).

Conditions:
Hereditary cancer-predisposing syndrome. Also called: Neoplastic Syndromes, Hereditary; Hereditary Cancer Syndrome; Tumor predisposition; Hereditary neoplastic syndrome. Identifiers: Orphanet 140162, MedGen C0027672, MeSH D009386, MONDO:0015356.
Neoplasm. Also called: tumor; Neoplasms; Neoplasm (disease). Identifiers: MedGen C0027651, MeSH D009369, MONDO:0005070, HP:0002664.

Submissions (6):

Center for Genomic Medicine, Rigshospitalet, Copenhagen University Hospital
Classification: Oncogenic for Neoplasm. Last evaluated: 2026-10-16. Review status: criteria provided, single submitter. Criteria: ClinGen/CGC/VICC Guidelines for Oncogenicity, 2022. Collection method: clinical testing. Allele origin: somatic. Affected: yes.

Ambry Genetics
Classification: Likely pathogenic for Hereditary cancer-predisposing syndrome. Last evaluated: 2021-01-11. Review status: criteria provided, single submitter. Criteria: Ambry Variant Classification Scheme 2023. Collection method: clinical testing. Allele origin: germline.
Comment: The c.151-1G>T intronic variant results from a G to T substitution one nucleotide upstream from coding exon 2 of the CDKN2A gene. This alteration has been reported in a cohort of melanoma-prone families (Taylor NJ et al. J Invest Dermatol, 2017 12;137:2606-2612). This nucleotide position is highly conserved in available vertebrate species. In silico splice site analysis predicts that this alteration will weaken the native splice acceptor site and will result in the creation or strengthening of a novel splice acceptor site. In addition to the clinical data presented in the literature, alterations that disrupt the canonical splice site are expected to cause aberrant splicing, resulting in an abnormal protein or a transcript that is subject to nonsense-mediated mRNA decay. As such, this alteration is classified as likely pathogenic.

GeneDx
Classification: Pathogenic. Last evaluated: 2016-08-20. Review status: criteria provided, single submitter. Criteria: GeneDx Variant Classification (06012015). Collection method: clinical testing. Allele origin: germline. Affected: yes.
Comment: This pathogenic variant is denoted CDKN2A c.151-1G>T or IVS1-1G>T and consists of a G>T nucleotide substitution at the -1 position of intron 1 of the CDKN2A gene. This variant destroys a canonical splice acceptor site and is predicted to cause abnormal gene splicing, leading to either an abnormal message that is subject to nonsense-mediated mRNA decay or to an abnormal protein product. Although this variant has not, to our knowledge, been reported in the literature, another variant at the same position, CDKN2A c.151-1G>C, has been observed in at least three families with melanoma, dysplastic nevi, and a variety of other benign and malignant tumors, including several individuals with neurofibromas (Petronzelli 2001, Prowse 2003, Sargen 2016). Additionally, the CDKN2A c.151-1G>C variant has been shown on RT-PCR studies to result in skipping of exon 2 (Petronzelli 2001, Prowse 2003). Based on the current evidence, we consider CDKN2A c.151-1G>T to be pathogenic.

Dr. Peter K. Rogan Lab, Western University
No classification provided (evidence only). Condition: Melanoma. Review status: no classification provided. Collection method: in vitro. Allele origin: not applicable. Functional consequence: skipped exon, retained intron. Not counted in ClinVar's aggregate classification.

Dr. Peter K. Rogan Lab, Western University
No classification provided (evidence only). Condition: Squamous cell lung carcinoma. Review status: no classification provided. Collection method: in vitro. Allele origin: not applicable. Functional consequence: skipped exon, retained intron. Not counted in ClinVar's aggregate classification.

MutSpliceDB: a database of splice sites variants effects on splicing, NIH
No classification provided (evidence only). Review status: no classification provided. Collection method: in vitro. Allele origin: not applicable. Functional consequence: retained intron. Not counted in ClinVar's aggregate classification.

Literature cited by the submitters: PubMed 28830827 (cited by Ambry Genetics).

NM_000077.5(CDKN2A):c.151-1G>T

Gene: CDKN2A (cyclin dependent kinase inhibitor 2A; minus strand). Cytogenetic location: 9p21.3.
Variant type: single nucleotide variant.
Coding change: c.151-1G>T on transcript NM_000077.5 (MANE Select); the canonical splice acceptor site of the intron before coding-DNA position 151, G replaced by T.
Molecular consequence: splice acceptor variant.
Genome position (GRCh38, 1-based): chr9:21,971,209, C>A on the plus strand (G>T on the coding strand, the complement: CDKN2A is on the minus strand). VCF-style: chr9-21971209-C-A. GRCh37 (hg19) VCF-style: chr9-21971208-C-A.
Other names: NC_000009.11:g.21971208C>A; c.-3-1G>T (NM_001363763.2); c.194-1G>T (NM_058195.4); c.151-1G>T (NM_001195132.2); c.*74-1G>T (NM_058197.5).
Identifiers: ClinVar variation 422058 (VCV000422058.10), dbSNP rs730881677, ClinGen allele CA16618833.